The following is an entry in ClinVar:

NM_003072.5(SMARCA4):c.3475G>A (p.Gly1159Arg)

Gene: SMARCA4 (SWI/SNF related, matrix associated, actin dependent regulator of chromatin, subfamily a, member 4; plus strand). Cytogenetic location: 19p13.2.
Variant type: single nucleotide variant.
Coding change: c.3475G>A on transcript NM_003072.5 (MANE Select); coding-DNA position 3475, G replaced by A.
Protein change: p.Gly1159Arg; replaces glycine 1159 with arginine.
Molecular consequence: missense variant. On other transcripts: non-coding transcript variant (1).
Genome position (GRCh38, 1-based): chr19:11,030,822, G>A. VCF-style: chr19-11030822-G-A. GRCh37 (hg19) VCF-style: chr19-11141498-G-A.
Other names: c.3475G>A, p.Gly1159Arg (NM_001128844.3, NM_001128845.2, NM_001128846.2 and 5 more transcripts); short protein forms G1159R.
Identifiers: ClinVar variation 1338656 (VCV001338656.4), dbSNP rs2146600812, ClinGen allele CA404063055.

ClinVar aggregate classification (germline): Uncertain significance (1 of 4 stars; one submission).

Submission:

Genetic Services Laboratory, University of Chicago
Classification: Uncertain significance. Last evaluated: 2021-10-07. Review status: criteria provided, single submitter. Criteria: ACMG Guidelines, 2015. Collection method: clinical testing. Allele origin: germline. Affected: no.
Comment: DNA sequence analysis of the SMARCA4 gene demonstrated a sequence change, c.3475G>A, in exon 25 that results in an amino acid change, p.Gly1159Arg. This sequence change does not appear to have been previously described in individuals with SMARCA4-related disorders and has also not been described in population databases such as ExAC and gnomAD. The p.Gly1159Arg change affects a highly conserved amino acid residue located in a domain of the SMARCA4 protein that is known to be functional. In-silico pathogenicity prediction tools (SIFT, PolyPhen2, Align GVGD, REVEL) provide contradictory results for the p.Gly1159Arg substitution. Due to insufficient evidences and the lack of functional studies, the clinical significance of the p.Gly1159Arg change remains unknown at this time.